The following is an entry in ClinVar:

NM_004360.5(CDH1):c.1452C>T (p.Pro484=)

Gene: CDH1 (cadherin 1; plus strand). Cytogenetic location: 16q22.1.
Variant type: single nucleotide variant.
Coding change: c.1452C>T on transcript NM_004360.5 (MANE Select); coding-DNA position 1452, C replaced by T.
Protein change: p.Pro484=; no amino-acid change (proline 484 retained).
Molecular consequence: synonymous variant. On other transcripts: 5 prime UTR variant (2).
Genome position (GRCh38, 1-based): chr16:68,815,646, C>T. VCF-style: chr16-68815646-C-T. GRCh37 (hg19) VCF-style: chr16-68849549-C-T.
Other names: c.1269C>T, p.Pro423= (NM_001317184.2); c.-97C>T (NM_001317185.2); c.-368C>T (NM_001317186.2).
Identifiers: ClinVar variation 749076 (VCV000749076.25), dbSNP rs1597898030, ClinGen allele CA496154054.

ClinVar aggregate classification (germline): Benign/Likely benign. Review status: criteria provided, multiple submitters, no conflicts (2 of 4 stars). 6 submissions from 6 submitters: Benign (1); Likely benign (5). Last evaluated 2025-11-13.

Conditions:
Hereditary diffuse gastric adenocarcinoma (HDGC). Also called: DIFFUSE GASTRIC AND LOBULAR BREAST CANCER SYNDROME. Identifiers: Orphanet 26106, MedGen C1708349, MONDO:0007648, OMIM 137215.
Hereditary cancer-predisposing syndrome. Also called: Tumor predisposition; Hereditary Cancer Syndrome; Neoplastic Syndromes, Hereditary; Hereditary neoplastic syndrome. Identifiers: Orphanet 140162, MedGen C0027672, MeSH D009386, MONDO:0015356.

gnomAD v4.1: 1 of 1,614,200 alleles (0.000062%); highest among the groups gnomAD compares: South Asian, 0.0011%; no homozygotes.

Submissions (6):

Women's Health and Genetics/Laboratory Corporation of America, LabCorp
Classification: Likely benign. Last evaluated: 2025-11-13. Review status: criteria provided, single submitter. Criteria: LabCorp Variant Classification Summary - May 2015. Collection method: clinical testing. Allele origin: germline.

Myriad Genetics, Inc.
Classification: Benign for Hereditary diffuse gastric adenocarcinoma. Last evaluated: 2024-09-19. Review status: criteria provided, single submitter. Criteria: Myriad Autosomal Dominant, Autosomal Recessive and X-Linked Classification Criteria (2023). Collection method: clinical testing. Allele origin: unknown.
Comment: This variant is considered benign. This variant is a silent/synonymous amino acid change and it is not expected to impact splicing.

Color Diagnostics, LLC DBA Color Health
Classification: Likely benign for Hereditary cancer-predisposing syndrome. Last evaluated: 2024-06-17. Review status: criteria provided, single submitter. Criteria: ACMG Guidelines, 2015. Collection method: clinical testing. Allele origin: germline.

Labcorp Genetics (formerly Invitae), Labcorp
Classification: Likely benign for Hereditary diffuse gastric adenocarcinoma. Last evaluated: 2024-04-30. Review status: criteria provided, single submitter. Criteria: Invitae Variant Classification Sherloc (09022015). Collection method: clinical testing. Allele origin: germline.

ARUP Laboratories, Molecular Genetics and Genomics, ARUP Laboratories
Classification: Likely benign. Last evaluated: 2019-12-13. Review status: criteria provided, single submitter. Criteria: ARUP Molecular Germline Variant Investigation Process. Collection method: clinical testing. Allele origin: germline.

Ambry Genetics
Classification: Likely benign for Hereditary cancer-predisposing syndrome. Last evaluated: 2018-01-09. Review status: criteria provided, single submitter. Criteria: Ambry Variant Classification Scheme 2023. Collection method: clinical testing. Allele origin: germline.